The following is an entry in ClinVar:

NM_002435.3(MPI):c.-9G>C

Gene: MPI (mannose phosphate isomerase; plus strand). Cytogenetic location: 15q24.1.
Variant type: single nucleotide variant.
Coding change: c.-9G>C on transcript NM_002435.3 (MANE Select); 9 bases upstream of the start codon, G replaced by C.
Molecular consequence: 5 prime UTR variant.
Genome position (GRCh38, 1-based): chr15:74,890,065, G>C. VCF-style: chr15-74890065-G-C. GRCh37 (hg19) VCF-style: chr15-75182406-G-C.
Other names: c.-9G>C (NM_001289155.2, NM_001289157.2); c.-31G>C (NM_001289156.2); c.-158G>C (NM_001330372.2).
Identifiers: ClinVar variation 5002623 (VCV005002623.1).

ClinVar aggregate classification (germline): Likely benign (1 of 4 stars; one submission).

Conditions:
MPI-related disorder. Also called: MPI-related condition.

gnomAD v4.1: 2 of 1,607,048 alleles (0.00012%); highest among the groups gnomAD compares: Non-Finnish European, 0.00017%; no homozygotes.

Submission:

PreventionGenetics, part of Exact Sciences
Classification: Likely benign for MPI-related condition. Last evaluated: 2026-03-11. Review status: criteria provided, single submitter. Criteria: ACMG Guidelines, 2015. Collection method: clinical testing. Allele origin: germline.
Comment: This variant is classified as likely benign based on ACMG/AMP sequence variant interpretation guidelines (Richards et al. 2015 PMID: 25741868, with internal and published modifications).